The following is an entry in ClinVar:

NM_003190.5(TAPBP):c.712T>C (p.Phe238Leu)

Gene: TAPBP (TAP binding protein; minus strand). Cytogenetic location: 6p21.32.
Variant type: single nucleotide variant.
Coding change: c.712T>C on transcript NM_003190.5 (MANE Select); coding-DNA position 712, T replaced by C.
Protein change: p.Phe238Leu; replaces phenylalanine 238 with leucine.
Molecular consequence: missense variant.
Genome position (GRCh38, 1-based): chr6:33,305,145, A>G on the plus strand (T>C on the coding strand, the complement: TAPBP is on the minus strand). VCF-style: chr6-33305145-A-G. GRCh37 (hg19) VCF-style: chr6-33272922-A-G.
Other names: c.712T>C, p.Phe238Leu (NM_172208.3); c.451T>C, p.Phe151Leu (NM_172209.3); short protein forms F151L, F238L.
Identifiers: ClinVar variation 1429295 (VCV001429295.8), dbSNP rs1294107191, ClinGen allele CA363691372.
Genomic context (GRCh38, chr6:33,305,145, plus strand): 5'-GCCAGAAGGTCCCATTTCCGGTCCATGGGCCCCATGGCTCATCATCATCCCAAGCAGCAA[A>G]TGCCACGGCCCCTTCTTGGGCTGCTGGCATCTGGCCATTCAGCCCAGGAGTTGCAGCCAG-3'
Protein context (NP_003181.3, residues 228-248): MPAAQEGAVA[Phe238Leu]AAWDDDEPWG

ClinVar aggregate classification (germline): Uncertain significance (1 of 4 stars; one submission).

Conditions:
MHC class I deficiency. Identifiers: Orphanet 34592, MedGen C6024714, MONDO:0011476.

Allele frequency attached by ClinVar (database versions not stated): gnomAD exomes below 0.00001; TOPMed below 0.00001; gnomAD 0.00001.
gnomAD v4.1: 9 of 1,614,018 alleles (0.00056%); highest among the groups gnomAD compares: Non-Finnish European, 0.00068%; no homozygotes.

Submission:

Labcorp Genetics (formerly Invitae), Labcorp
Classification: Uncertain significance for MHC class I deficiency 1. Last evaluated: 2021-02-14. Review status: criteria provided, single submitter. Criteria: Invitae Variant Classification Sherloc (09022015). Collection method: clinical testing. Allele origin: germline.
Comment: This sequence change replaces phenylalanine with leucine at codon 238 of the TAPBP protein (p.Phe238Leu). The phenylalanine residue is moderately conserved and there is a small physicochemical difference between phenylalanine and leucine. This variant is not present in population databases (ExAC no frequency). This variant has not been reported in the literature in individuals with TAPBP-related conditions. Algorithms developed to predict the effect of missense changes on protein structure and function are either unavailable or do not agree on the potential impact of this missense change (SIFT: "Tolerated"; PolyPhen-2: "Probably Damaging"; Align-GVGD: "Class C0"). In summary, the available evidence is currently insufficient to determine the role of this variant in disease. Therefore, it has been classified as a Variant of Uncertain Significance.